The following is an entry in ClinVar:

ClinVar aggregate classification (germline): Uncertain significance (1 of 4 stars; one submission).

Allele frequency attached by ClinVar (database versions not stated): TOPMed below 0.00001; gnomAD 0.00001.
gnomAD v4.1: 2 of 1,611,300 alleles (0.00012%); highest among the groups gnomAD compares: African/African-American, 0.0027%; no homozygotes.

Submission:

Labcorp Genetics (formerly Invitae), Labcorp
Classification: Uncertain significance. Last evaluated: 2022-03-20. Review status: criteria provided, single submitter. Criteria: Invitae Variant Classification Sherloc (09022015). Collection method: clinical testing. Allele origin: germline.
Comment: In summary, the available evidence is currently insufficient to determine the role of this variant in disease. Therefore, it has been classified as a Variant of Uncertain Significance. Algorithms developed to predict the effect of missense changes on protein structure and function (SIFT, PolyPhen-2, Align-GVGD) all suggest that this variant is likely to be tolerated. This variant has not been reported in the literature in individuals affected with TSFM-related conditions. This variant is not present in population databases (gnomAD no frequency). This sequence change replaces glutamine, which is neutral and polar, with arginine, which is basic and polar, at codon 140 of the TSFM protein (p.Gln140Arg).

NM_005726.6(TSFM):c.419A>G (p.Gln140Arg)

Gene: TSFM (Ts translation elongation factor, mitochondrial; plus strand). Cytogenetic location: 12q14.1.
Variant type: single nucleotide variant.
Coding change: c.419A>G on transcript NM_005726.6 (MANE Select); coding-DNA position 419, A replaced by G.
Protein change: p.Gln140Arg; replaces glutamine 140 with arginine.
Molecular consequence: missense variant.
Genome position (GRCh38, 1-based): chr12:57,787,098, A>G. VCF-style: chr12-57787098-A-G. GRCh37 (hg19) VCF-style: chr12-58180881-A-G.
Other names: c.419A>G, p.Gln140Arg (NM_001172695.2, NM_001172696.2, NM_001172697.2); short protein forms Q140R.
Identifiers: ClinVar variation 2108920 (VCV002108920.2), dbSNP rs1955601007, ClinGen allele CA385527020.